The following is an entry in ClinVar:

NM_001081.4(CUBN):c.4250G>T (p.Cys1417Phe)

Gene: CUBN (cubilin; minus strand). Cytogenetic location: 10p13.
Variant type: single nucleotide variant.
Coding change: c.4250G>T on transcript NM_001081.4 (MANE Select); coding-DNA position 4250, G replaced by T.
Protein change: p.Cys1417Phe; replaces cysteine 1417 with phenylalanine.
Molecular consequence: missense variant.
Genome position (GRCh38, 1-based): chr10:16,990,434, C>A on the plus strand (G>T on the coding strand, the complement: CUBN is on the minus strand). VCF-style: chr10-16990434-C-A. GRCh37 (hg19) VCF-style: chr10-17032433-C-A.
Other names: short protein forms C1417F.
Identifiers: ClinVar variation 4278673 (VCV004278673.1).
Genomic context (GRCh38, chr10:16,990,434, plus strand): 5'-TCGAAGTCATGGATGGTGAGCTGAATGCTACTCCCGGGGTCCGTCCTAATGTACCAGATA[C>A]ACTCCTTGTTTGGTGGATACCTGTTGGGGAACCCGGGGCTGCTGAAGGAGCCTGTGGCCC-3'
Protein context (NP_001072.2, residues 1407-1427): FPNRYPPNKE[Cys1417Phe]IWYIRTDPGS

ClinVar aggregate classification (germline): Uncertain significance (1 of 4 stars; one submission).

gnomAD v4.1: 10 of 1,614,154 alleles (0.00062%); highest among the groups gnomAD compares: African/African-American, 0.012%; no homozygotes.

Submission:

GeneDx
Classification: Uncertain significance. Last evaluated: 2025-03-31. Review status: criteria provided, single submitter. Criteria: GeneDx Variant Classification Process June 2021. Collection method: clinical testing. Allele origin: germline. Affected: yes.
Comment: In silico analysis supports that this missense variant has a deleterious effect on protein structure/function; Has not been previously published as pathogenic or benign to our knowledge